The following is an entry in ClinVar:

ClinVar aggregate classification (germline): Benign (1 of 4 stars; one submission).

Allele frequency attached by ClinVar (database versions not stated): gnomAD 0.04763; 1000 Genomes Project 0.04892; 1000 Genomes Project 30x 0.05059; TOPMed 0.05322.
gnomAD v4.1: 7,195 of 152,180 alleles (4.7%); highest among the groups gnomAD compares: African/African-American, 16%; 559 homozygotes.

Submission:

GeneDx
Classification: Benign. Last evaluated: 2018-06-16. Review status: criteria provided, single submitter. Criteria: GeneDx Variant Classification (06012015). Collection method: clinical testing. Allele origin: germline. Affected: yes.
Comment: This variant is considered likely benign or benign based on one or more of the following criteria: it is a conservative change, it occurs at a poorly conserved position in the protein, it is predicted to be benign by multiple in silico algorithms, and/or has population frequency not consistent with disease.

NM_014845.6(FIG4):c.1138-175G>T

Gene: FIG4 (FIG4 phosphoinositide 5-phosphatase; plus strand). Cytogenetic location: 6q21.
Variant type: single nucleotide variant.
Coding change: c.1138-175G>T on transcript NM_014845.6 (MANE Select); 175 bases into the intron before coding-DNA position 1138, G replaced by T.
Molecular consequence: intron variant.
Genome position (GRCh38, 1-based): chr6:109,760,075, G>T. VCF-style: chr6-109760075-G-T. GRCh37 (hg19) VCF-style: chr6-110081278-G-T.
Identifiers: ClinVar variation 677302 (VCV000677302.1), dbSNP rs80101079, ClinGen allele CA145154463.
Genomic context (GRCh38, chr6:109,760,075, plus strand): 5'-AGGAAGAAACCTGATCTCCTAGAATCTTCAAAGTTCATTAGCTGTTCACTTTAATACAAT[G>T]GAGCATTTATTTCTTTGTGTTTTTATTATTTCTGATTATTGTAGCTAGGTTTCATTTTAG-3'